The following is an entry in ClinVar:

NM_001378615.1(CC2D2A):c.1038T>C (p.Asp346=)

Genes: FBXL5 (F-box and leucine rich repeat protein 5; minus strand), CC2D2A (coiled-coil and C2 domain containing 2A; plus strand). Cytogenetic location: 4p15.32.
Variant type: single nucleotide variant.
Coding change: c.1038T>C on transcript NM_001378615.1 (MANE Select); coding-DNA position 1038, T replaced by C.
Protein change: p.Asp346=; no amino-acid change (aspartic acid 346 retained).
Molecular consequence: synonymous variant.
Genome position (GRCh38, 1-based): chr4:15,516,645, T>C. VCF-style: chr4-15516645-T-C. GRCh37 (hg19) VCF-style: chr4-15518268-T-C.
Other names: p.Asp346=; c.1038T>C, p.Asp346= (NM_001080522.2); c.891T>C, p.Asp297= (NM_001378617.1).
Identifiers: ClinVar variation 1106899 (VCV001106899.10), dbSNP rs377679382, ClinGen allele CA2863553.
Genomic context (GRCh38, chr4:15,516,645, plus strand): 5'-TTAGAAGAAAATGTTGCCATTCCCTCTGCTTCATCTACAGGAAAGAAGATGGTTTGGAGA[T>C]GACGGCAGGATCCTAGCTCTGCCAAACCCCATCAAGCCATTTCCTTCAAGGCCGCCAGTA-3'
Protein context (NP_001365544.1, residues 336-356): MQDPERRWFG[Asp346=]DGRILALPNP

ClinVar aggregate classification (germline): Likely benign. Review status: criteria provided, multiple submitters, no conflicts (2 of 4 stars). 2 submissions from 2 submitters: Likely benign (2). Last evaluated 2025-08-13.

Conditions:
Joubert syndrome. Also called: JOUBERT-BOLTSHAUSER SYNDROME; Familial aplasia of the vermis. Identifiers: Orphanet 475, MedGen C5979921, MONDO:0018772.
Meckel-Gruber syndrome. Also called: DYSENCEPHALIA SPLANCHNOCYSTICA; GRUBER SYNDROME; Dysencephalia splachnocystica. Identifiers: Orphanet 564, MedGen C0265215, MONDO:0018921.

Allele frequency attached by ClinVar (database versions not stated): gnomAD exomes below 0.00001 and 0.00001; ExAC 0.00003; gnomAD 0.00005 and 0.00006; TOPMed 0.00005; ESP Exome Variant Server 0.00008.
gnomAD v4.1: 8 of 1,612,818 alleles (0.0005%); highest among the groups gnomAD compares: African/African-American, 0.011%; no homozygotes.

Submissions (2):

Mayo Clinic Laboratories, Mayo Clinic
Classification: Likely benign. Last evaluated: 2025-08-13. Review status: criteria provided, single submitter. Criteria: ACMG Guidelines, 2015. Collection method: clinical testing. Allele origin: germline. Observed: 1 variant allele.
Comment: BP4, BP7

Labcorp Genetics (formerly Invitae), Labcorp
Classification: Likely benign for Joubert syndrome; Meckel-Gruber syndrome. Last evaluated: 2025-02-03. Review status: criteria provided, single submitter. Criteria: Invitae Variant Classification Sherloc (09022015). Collection method: clinical testing. Allele origin: germline.